The following is an entry in ClinVar:

NM_183075.3(CYP2U1):c.127G>C (p.Val43Leu)

Genes: CYP2U1-AS1 (CYP2U1 and SGMS2 antisense RNA 1; minus strand), CYP2U1 (cytochrome P450 family 2 subfamily U member 1; plus strand). Cytogenetic location: 4q25.
Variant type: single nucleotide variant.
Coding change: c.127G>C on transcript NM_183075.3 (MANE Select); coding-DNA position 127, G replaced by C.
Protein change: p.Val43Leu; replaces valine 43 with leucine.
Molecular consequence: missense variant.
Genome position (GRCh38, 1-based): chr4:107,931,770, G>C. VCF-style: chr4-107931770-G-C. GRCh37 (hg19) VCF-style: chr4-108852926-G-C.
Other names: short protein forms V43L.
Identifiers: ClinVar variation 1037864 (VCV001037864.2), dbSNP rs1031064765, ClinGen allele CA357831779.

ClinVar aggregate classification (germline): Uncertain significance (1 of 4 stars; one submission).

Conditions:
Spastic paraplegia. Identifiers: MedGen C0037772, HP:0001258.

Allele frequency attached by ClinVar (database versions not stated): TOPMed 0.00002.
gnomAD v4.1: 34 of 1,486,916 alleles (0.0023%); highest among the groups gnomAD compares: Non-Finnish European, 0.0028%; no homozygotes.

Submission:

Labcorp Genetics (formerly Invitae), Labcorp
Classification: Uncertain significance for Spastic paraplegia. Last evaluated: 2022-07-19. Review status: criteria provided, single submitter. Criteria: Invitae Variant Classification Sherloc (09022015). Collection method: clinical testing. Allele origin: germline.
Comment: This sequence change replaces valine, which is neutral and non-polar, with leucine, which is neutral and non-polar, at codon 43 of the CYP2U1 protein (p.Val43Leu). This variant is present in population databases (no rsID available, gnomAD 0.004%). This variant has not been reported in the literature in individuals affected with CYP2U1-related conditions. ClinVar contains an entry for this variant (Variation ID: 1037864). Advanced modeling of protein sequence and biophysical properties (such as structural, functional, and spatial information, amino acid conservation, physicochemical variation, residue mobility, and thermodynamic stability) performed at Invitae indicates that this missense variant is not expected to disrupt CYP2U1 protein function. In summary, the available evidence is currently insufficient to determine the role of this variant in disease. Therefore, it has been classified as a Variant of Uncertain Significance.